The following is an entry in ClinVar:

ClinVar aggregate classification (germline): Pathogenic (1 of 4 stars; one submission).

Conditions:
Global developmental delay - lung cysts - overgrowth - Wilms tumor syndrome. Also called: GLOBAL DEVELOPMENTAL DELAY, LUNG CYSTS, OVERGROWTH, AND WILMS TUMOR; GLOW Syndrome. Identifiers: Orphanet 404476, MedGen C4748924, MONDO:0018445, OMIM 618272.

Submission:

Women's Health and Genetics/Laboratory Corporation of America, LabCorp
Classification: Pathogenic for GLOW Syndrome. Last evaluated: 2024-03-12. Review status: criteria provided, single submitter. Criteria: LabCorp Variant Classification Summary - May 2015. Collection method: clinical testing. Allele origin: germline.
Comment: Variant summary: DICER1 c.4943_4944dupGT (p.Met1649ValfsX12) results in a premature termination codon, predicted to cause a truncation of the encoded protein or absence of the protein due to nonsense mediated decay, which are commonly known mechanisms for disease. The variant was absent in 251432 control chromosomes. To our knowledge, no occurrence of c.4943_4944dupGT in individuals affected with DICER1-related conditions and no experimental evidence demonstrating its impact on protein function have been reported. No submitters have cited clinical-significance assessments for this variant to ClinVar. Based on the evidence outlined above, the variant was classified as pathogenic.

NM_177438.3(DICER1):c.4943_4944dup (p.Met1649fs)

Gene: DICER1 (dicer 1, ribonuclease III; minus strand). Cytogenetic location: 14q32.13.
Variant type: Duplication.
Coding change: c.4943_4944dup on transcript NM_177438.3 (MANE Select); coding-DNA positions 4943 to 4944, 2 bases duplicated (GT; older notation c.4943_4944dupGT).
Protein change: p.Met1649fs; shifts the reading frame from methionine 1649.
Molecular consequence: frameshift variant. On other transcripts: non-coding transcript variant (6).
Genome position (GRCh38, 1-based): chr14:95,095,976-95,095,977, AC duplicated on the plus strand (GT on the coding strand, the reverse complement: DICER1 is on the minus strand); duplicating any 2 consecutive bases within chr14:95,095,976-95,095,978 gives the same sequence; the c. name uses the placement nearest the transcript's 3' end. VCF-style (leftmost placement, unchanged base first): chr14-95095975-T-TAC. GRCh37 (hg19) VCF-style: chr14-95562312-T-TAC.
Other names: c.4943_4944dup, p.Met1649fs (NM_001195573.1, NM_001271282.3, NM_001291628.2 and 12 more transcripts); c.4942_4943dup, p.Met1649Valfs (NM_001395681.1); c.4661_4662dup, p.Met1555fs (NM_001395686.1); c.4538_4539dup, p.Met1514fs (NM_001395687.1, NM_001395688.1, NM_001395689.1 and 2 more transcripts); c.4376_4377dup, p.Met1460fs (NM_001395691.1); c.3260_3261dup, p.Met1088fs (NM_001395697.1); c.4943_4944dupGT (NM_177438.3); short protein forms M1088fs, M1460fs, M1514fs, M1555fs, M1649fs.
Identifiers: ClinVar variation 3242579 (VCV003242579.2), dbSNP rs2542479940.